The following is an entry in ClinVar:

ClinVar aggregate classification (germline): Likely benign. Review status: criteria provided, multiple submitters, no conflicts (2 of 4 stars). 3 submissions from 3 submitters: Likely benign (2). 1 of the submissions does not count toward it. Last evaluated 2022-10-27.

Conditions:
PPARG-related disorder. Also called: PPARG-related disorders; PPARG-related condition.

Allele frequency attached by ClinVar (database versions not stated): ExAC 0.00001; gnomAD 0.00001; gnomAD exomes 0.00001 and 0.00002; TOPMed 0.00004.
gnomAD v4.1: 21 of 1,614,040 alleles (0.0013%); highest among the groups gnomAD compares: East Asian, 0.029%; no homozygotes.

Submissions (3):

Labcorp Genetics (formerly Invitae), Labcorp
Classification: Likely benign. Last evaluated: 2022-10-27. Review status: criteria provided, single submitter. Criteria: Invitae Variant Classification Sherloc (09022015). Collection method: clinical testing. Allele origin: germline.

CeGaT Center for Human Genetics Tuebingen
Classification: Likely benign. Last evaluated: 2021-08-01. Review status: criteria provided, single submitter. Criteria: CeGaT Center For Human Genetics Tuebingen Variant Classification Criteria Version 2. Collection method: clinical testing. Allele origin: germline. Affected: yes. Observed: 1 variant allele.

PreventionGenetics, part of Exact Sciences
Classification: Likely benign for PPARG-related condition. Last evaluated: 2021-09-22. Review status: no assertion criteria provided. Collection method: clinical testing. Allele origin: germline. Not counted in ClinVar's aggregate classification.
Comment: This variant is classified as likely benign based on ACMG/AMP sequence variant interpretation guidelines (Richards et al. 2015 PMID: 25741868, with internal and published modifications).

NM_138711.6(PPARG):c.1416G>A (p.Lys472=)

Gene: PPARG (peroxisome proliferator activated receptor gamma; plus strand). Cytogenetic location: 3p25.2.
Variant type: single nucleotide variant.
Coding change: c.1416G>A on transcript NM_138711.6 (MANE Select); coding-DNA position 1416, G replaced by A.
Protein change: p.Lys472=; no amino-acid change (lysine 472 retained).
Molecular consequence: synonymous variant. On other transcripts: 3 prime UTR variant (5).
Genome position (GRCh38, 1-based): chr3:12,434,133, G>A. VCF-style: chr3-12434133-G-A. GRCh37 (hg19) VCF-style: chr3-12475632-G-A.
Other names: c.*218G>A (NM_001330615.4, NM_001374261.3, NM_001374262.3 and 1 more transcripts); c.1416G>A, p.Lys472= (NM_001354666.3, NM_001354667.3, NM_001374263.2 and 3 more transcripts); c.789G>A, p.Lys263= (NM_001354669.2); c.*202G>A (NM_001374266.1); c.1506G>A, p.Lys502= (NM_015869.5).
Identifiers: ClinVar variation 728652 (VCV000728652.41), dbSNP rs770898588, ClinGen allele CA2258370.